The following is an entry in ClinVar:

ClinVar aggregate classification (germline): Pathogenic (1 of 4 stars; one submission).

Submission:

GeneDx
Classification: Pathogenic. Last evaluated: 2024-05-10. Review status: criteria provided, single submitter. Criteria: GeneDx Variant Classification Process June 2021. Collection method: clinical testing. Allele origin: germline. Affected: yes.
Comment: Nonsense variant predicted to result in protein truncation or nonsense mediated decay in a gene for which loss of function is a known mechanism of disease; Not observed at significant frequency in large population cohorts (gnomAD); Has not been previously published as pathogenic or benign to our knowledge

NM_001365088.1(SLC12A6):c.206C>A (p.Ser69Ter)

Gene: SLC12A6 (solute carrier family 12 member 6; minus strand). Cytogenetic location: 15q14.
Variant type: single nucleotide variant.
Coding change: c.206C>A on transcript NM_001365088.1 (MANE Select); coding-DNA position 206, C replaced by A.
Protein change: p.Ser69Ter; replaces serine 69 with a stop codon.
Molecular consequence: nonsense.
Genome position (GRCh38, 1-based): chr15:34,336,475, G>T on the plus strand (C>A on the coding strand, the complement: SLC12A6 is on the minus strand). VCF-style: chr15-34336475-G-T. GRCh37 (hg19) VCF-style: chr15-34628676-G-T.
Other names: c.29C>A, p.Ser10Ter (NM_001042494.2, NM_001042495.2); c.179C>A, p.Ser60Ter (NM_001042496.2); c.206C>A, p.Ser69Ter (NM_001042497.2, NM_133647.2); short protein forms S10*, S60*, S69*.
Identifiers: ClinVar variation 3375797 (VCV003375797.1).